The following is an entry in ClinVar:

NM_004168.4(SDHA):c.1147A>G (p.Ile383Val)

Gene: SDHA (succinate dehydrogenase complex flavoprotein subunit A; plus strand). Cytogenetic location: 5p15.33.
Variant type: single nucleotide variant.
Coding change: c.1147A>G on transcript NM_004168.4 (MANE Select); coding-DNA position 1147, A replaced by G.
Protein change: p.Ile383Val; replaces isoleucine 383 with valine.
Molecular consequence: missense variant.
Genome position (GRCh38, 1-based): chr5:235,226, A>G. VCF-style: chr5-235226-A-G. GRCh37 (hg19) VCF-style: chr5-235341-A-G.
Other names: c.1003A>G, p.Ile335Val (NM_001294332.2); c.1147A>G, p.Ile383Val (NM_001330758.2); short protein forms I335V, I383V.
Identifiers: ClinVar variation 1056836 (VCV001056836.9), dbSNP rs2126584806, ClinGen allele CA359013547.

ClinVar aggregate classification (germline): Uncertain significance (1 of 4 stars; one submission).

Conditions:
Mitochondrial complex II deficiency, nuclear type 1. Also called: SUCCINATE CoQ REDUCTASE DEFICIENCY. Identifiers: Orphanet 3208, MedGen C5700310, MONDO:0100294, OMIM 252011.
Pheochromocytoma/paraganglioma syndrome 5. Also called: Paragangliomas 5; SDHA-Related Hereditary Paraganglioma-Pheochromocytoma Syndrome. Identifiers: Orphanet 29072, MedGen C3279992, MONDO:0013602, OMIM 614165.

Allele frequency attached by ClinVar (database versions not stated): gnomAD exomes below 0.00001.
gnomAD v4.1: 2 of 1,614,016 alleles (0.00012%); highest among the groups gnomAD compares: East Asian, 0.0022%; no homozygotes.

Submission:

Labcorp Genetics (formerly Invitae), Labcorp
Classification: Uncertain significance for Pheochromocytoma/paraganglioma syndrome 5; Mitochondrial complex II deficiency, nuclear type 1. Last evaluated: 2021-05-17. Review status: criteria provided, single submitter. Criteria: Invitae Variant Classification Sherloc (09022015). Collection method: clinical testing. Allele origin: germline.
Comment: This variant is not present in population databases (ExAC no frequency). In summary, the available evidence is currently insufficient to determine the role of this variant in disease. Therefore, it has been classified as a Variant of Uncertain Significance. Algorithms developed to predict the effect of missense changes on protein structure and function (SIFT, PolyPhen-2, Align-GVGD) all suggest that this variant is likely to be disruptive, but these predictions have not been confirmed by published functional studies and their clinical significance is uncertain. This variant has not been reported in the literature in individuals with SDHA-related conditions. This sequence change replaces isoleucine with valine at codon 383 of the SDHA protein (p.Ile383Val). The isoleucine residue is highly conserved and there is a small physicochemical difference between isoleucine and valine.